The following is an entry in ClinVar:

ClinVar aggregate classification (germline): Benign (1 of 4 stars; one submission).

Conditions:
Familial cancer of breast. Also called: hereditary breast carcinoma; Hereditary breast cancer; BREAST CANCER, FAMILIAL. Identifiers: Orphanet 227535, MedGen C0346153, MONDO:0016419, OMIM 114480. Disease mechanism: loss of function.

Submission:

Myriad Genetics, Inc.
Classification: Benign for Familial cancer of breast. Last evaluated: 2024-07-24. Review status: criteria provided, single submitter. Criteria: Myriad Autosomal Dominant, Autosomal Recessive and X-Linked Classification Criteria (2023). Collection method: clinical testing. Allele origin: unknown.
Comment: This variant is considered benign. This variant is a silent/synonymous amino acid change and it is not expected to impact splicing.

NM_000465.4(BARD1):c.1182A>C (p.Thr394=)

Gene: BARD1 (BRCA1 associated RING domain 1; minus strand). Cytogenetic location: 2q35.
Variant type: single nucleotide variant.
Coding change: c.1182A>C on transcript NM_000465.4 (MANE Select); coding-DNA position 1182, A replaced by C.
Protein change: p.Thr394=; no amino-acid change (threonine 394 retained).
Molecular consequence: synonymous variant. On other transcripts: non-coding transcript variant (2), intron variant (3).
Genome position (GRCh38, 1-based): chr2:214,780,692, T>G on the plus strand (A>C on the coding strand, the complement: BARD1 is on the minus strand). VCF-style: chr2-214780692-T-G. GRCh37 (hg19) VCF-style: chr2-215645416-T-G.
Other names: c.1125A>C, p.Thr375= (NM_001282543.2); c.159-28137A>C (NM_001282548.2); c.215+16369A>C (NM_001282545.2); c.364+11605A>C (NM_001282549.2).
Identifiers: ClinVar variation 3378734 (VCV003378734.1).
Genomic context (GRCh38, chr2:214,780,692, plus strand): 5'-CATTGCTGAGGGACTAGACATCACTCGCCTGTAACTTGAACTACTTAATGTAGAAGGTGG[T>G]GTACCTGGTGAAAGACTAATGAATTCATCGGACATGTTACTGTTTTTCCTCCCTGATGTA-3'
Protein context (NP_000456.2, residues 384-404): SDEFISLSPG[Thr394=]PPSTLSSSSY